The following is an entry in ClinVar:

NM_001942.4(DSG1):c.2758G>A (p.Val920Met)

Genes: DSG1 (desmoglein 1; plus strand), DSG1-AS1 (DSG1 antisense RNA 1; minus strand). Cytogenetic location: 18q12.1.
Variant type: single nucleotide variant.
Coding change: c.2758G>A on transcript NM_001942.4 (MANE Select); coding-DNA position 2758, G replaced by A.
Protein change: p.Val920Met; replaces valine 920 with methionine.
Molecular consequence: missense variant.
Genome position (GRCh38, 1-based): chr18:31,354,954, G>A. VCF-style: chr18-31354954-G-A. GRCh37 (hg19) VCF-style: chr18-28934917-G-A.
Other names: short protein forms V920M.
Identifiers: ClinVar variation 2648632 (VCV002648632.24), dbSNP rs2071941423, ClinGen allele CA402124416.

ClinVar aggregate classification (germline): Uncertain significance (1 of 4 stars; one submission).

gnomAD v4.1: 2 of 1,614,214 alleles (0.00012%); no homozygotes.

Submission:

CeGaT Center for Human Genetics Tuebingen
Classification: Uncertain significance. Last evaluated: 2022-11-01. Review status: criteria provided, single submitter. Criteria: CeGaT Center For Human Genetics Tuebingen Variant Classification Criteria Version 2. Collection method: clinical testing. Allele origin: germline. Affected: yes. Observed: 1 variant allele.
Comment: DSG1: PM2